The following is an entry in ClinVar:

NC_000001.11:g.(?_63396503)_(63396607_?)dup

Gene: ALG6 (ALG6 alpha-1,3-glucosyltransferase; plus strand). Cytogenetic location: 1p31.3.
Variant type: Duplication.
Identifiers: ClinVar variation 832047 (VCV000832047.5).

ClinVar aggregate classification (germline): Likely pathogenic (1 of 4 stars; one submission).

Conditions:
ALG6-congenital disorder of glycosylation 1C (CDG1C). Also called: CDG Ic; CARBOHYDRATE-DEFICIENT GLYCOPROTEIN SYNDROME, TYPE I, WITH DEFICIENT GLYCOSYLATION OF DOLICHOL-LINKED OLIGOSACCHARIDE; CARBOHYDRATE-DEFICIENT GLYCOPROTEIN SYNDROME, TYPE V; Congenital disorder of glycosylation type 1C; Congenital disorder of glycosylation, type Ic. Identifiers: Orphanet 79320, MedGen C2930997, MONDO:0011291, OMIM 603147.

Submission:

Labcorp Genetics (formerly Invitae), Labcorp
Classification: Likely pathogenic for ALG6-congenital disorder of glycosylation 1C. Last evaluated: 2021-03-21. Review status: criteria provided, single submitter. Criteria: Invitae Variant Classification Sherloc (09022015). Collection method: clinical testing. Allele origin: germline.
Comment: In summary, the currently available evidence indicates that the variant is pathogenic, but additional data are needed to prove that conclusively. Therefore, this variant has been classified as Likely Pathogenic. Loss-of-function variants in ALG6 are known to be pathogenic (PMID: 19862844). This variant has not been reported in the literature in individuals with ALG6-related conditions. This variant results in a copy number gain of the genomic region encompassing exon 3 of the ALG6 gene. While the exact position of this variant cannot be determined from this data, sub-genic copy number gains are generally in tandem (PMID: 25640679) and may result in an absent or disrupted protein product.

Literature cited by the submitters: PubMed 19862844; PubMed 25640679.